The following is an entry in ClinVar:

ClinVar aggregate classification (germline): Likely pathogenic (1 of 4 stars; one submission).

Conditions:
Junctional epidermolysis bullosa gravis of Herlitz. Also called: Herlitz-type junctional epidermolysis bullosa; EPIDERMOLYSIS BULLOSA, JUNCTIONAL 1B, SEVERE; EPIDERMOLYSIS BULLOSA JUNCTIONALIS, HERLITZ TYPE; EPIDERMOLYSIS BULLOSA, JUNCTIONAL, HERLITZ-PEARSON TYPE; JEB-HERLITZ TYPE; Epidermolysis Bullosa Letalis. Identifiers: Orphanet 79404, MedGen C0079683, MONDO:0009182, OMIM 226700.

Submission:

Myriad Genetics, Inc.
Classification: Likely pathogenic for Junctional epidermolysis bullosa gravis of Herlitz. Last evaluated: 2022-05-18. Review status: criteria provided, single submitter. Criteria: Myriad Women's Health Autosomal Recessive and X-Linked Classification Criteria (2021). Collection method: clinical testing. Allele origin: unknown.
Comment: NM_005562.2(LAMC2):c.2631dupA(A878Sfs*14) is expected to be pathogenic in the context of junctional epidermolysis bullosa, LAMC2-related. This variant is predicted to lead to an abnormal or absent protein product due to the creation of a premature termination codon in LAMC2, a gene where loss-of-function variants are known to be pathogenic. Please note: this variant was assessed in the context of healthy population screening.

NM_005562.3(LAMC2):c.2631dup (p.Ala878fs)

Gene: LAMC2 (laminin subunit gamma 2; plus strand). Cytogenetic location: 1q25.3.
Variant type: Duplication.
Coding change: c.2631dup on transcript NM_005562.3 (MANE Select); coding-DNA position 2631, one base duplicated (A; older notation c.2631dupA).
Protein change: p.Ala878fs; shifts the reading frame from alanine 878.
Molecular consequence: frameshift variant.
Genome position (GRCh38, 1-based): chr1:183,237,381, A duplicated; the last of 5 consecutive A bases (chr1:183,237,377-183,237,381); duplicating any one gives the same sequence. VCF-style (leftmost placement, unchanged base first): chr1-183237376-C-CA. GRCh37 (hg19) VCF-style: chr1-183206511-C-CA.
Other names: c.2631dup, p.Ala878fs (NM_018891.3); short protein forms A878fs.
Identifiers: ClinVar variation 1726076 (VCV001726076.2), dbSNP rs2526117177, ClinGen allele CA2580061613.